The following is an entry in ClinVar:

ClinVar aggregate classification (germline): Likely benign. Review status: criteria provided, multiple submitters, no conflicts (2 of 4 stars). 2 submissions from 2 submitters: Likely benign (2). Last evaluated 2024-08-08.

Conditions:
Juvenile polyposis syndrome (JPS). Identifiers: Orphanet 2929, MedGen C0345893, MONDO:0017380, OMIM 174900.

Allele frequency attached by ClinVar (database versions not stated): gnomAD exomes below 0.00001.
gnomAD v4.1: 3 of 1,614,172 alleles (0.00019%); highest among the groups gnomAD compares: Non-Finnish European, 0.00025%; no homozygotes.

Submissions (2):

Myriad Genetics, Inc.
Classification: Likely benign for Juvenile polyposis syndrome. Last evaluated: 2024-08-08. Review status: criteria provided, single submitter. Criteria: Myriad Autosomal Dominant, Autosomal Recessive and X-Linked Classification Criteria (2023). Collection method: clinical testing. Allele origin: unknown.
Comment: This variant is considered likely benign. This variant is intronic and is not expected to impact mRNA splicing.

Labcorp Genetics (formerly Invitae), Labcorp
Classification: Likely benign for Juvenile polyposis syndrome. Last evaluated: 2022-05-27. Review status: criteria provided, single submitter. Criteria: Invitae Variant Classification Sherloc (09022015). Collection method: clinical testing. Allele origin: germline.

NM_004329.3(BMPR1A):c.1473+8G>A

Gene: BMPR1A (bone morphogenetic protein receptor type 1A; plus strand). Cytogenetic location: 10q23.2.
Variant type: single nucleotide variant.
Coding change: c.1473+8G>A on transcript NM_004329.3 (MANE Select); 8 bases into the intron after coding-DNA position 1473, G replaced by A.
Molecular consequence: intron variant.
Genome position (GRCh38, 1-based): chr10:86,923,514, G>A. VCF-style: chr10-86923514-G-A. GRCh37 (hg19) VCF-style: chr10-88683271-G-A.
Identifiers: ClinVar variation 2159033 (VCV002159033.5), dbSNP rs2133622759, ClinGen allele CA2580082365.